The following is an entry in ClinVar:

NM_000129.4(F13A1):c.1135G>C (p.Ala379Pro)

Gene: F13A1 (coagulation factor XIII A chain; minus strand). Cytogenetic location: 6p25.1.
Variant type: single nucleotide variant.
Coding change: c.1135G>C on transcript NM_000129.4 (MANE Select); coding-DNA position 1135, G replaced by C.
Protein change: p.Ala379Pro; replaces alanine 379 with proline.
Molecular consequence: missense variant.
Genome position (GRCh38, 1-based): chr6:6,197,304, C>G on the plus strand (G>C on the coding strand, the complement: F13A1 is on the minus strand). VCF-style: chr6-6197304-C-G. GRCh37 (hg19) VCF-style: chr6-6197537-C-G.
Other names: short protein forms A379P.
Identifiers: ClinVar variation 1705111 (VCV001705111.1), dbSNP rs2480572998, ClinGen allele CA362739314.
Genomic context (GRCh38, chr6:6,197,304, plus strand): 5'-TGCTGTCCACAGCTTGCCAGCCTCCAAATCCAACAGGAAGGTCAGGCCTTGTCATCCATG[C>G]TTCATTCCAGCAGTGGTAGTTCCTTAGAAAACACAAGCCCAGAAAGGTTAAACTTCCCAT-3'
Protein context (NP_000120.2, residues 369-389): SVWNYHCWNE[Ala379Pro]WMTRPDLPVG

ClinVar aggregate classification (germline): Uncertain significance (1 of 4 stars; one submission).

Allele frequency attached by ClinVar (database versions not stated): gnomAD exomes below 0.00001.
gnomAD v4.1: 1 of 1,614,204 alleles (0.000062%); highest among the groups gnomAD compares: Non-Finnish European, 0.000085%; no homozygotes.

Submission:

Women's Health and Genetics/Laboratory Corporation of America, LabCorp
Classification: Uncertain significance. Last evaluated: 2022-08-16. Review status: criteria provided, single submitter. Criteria: LabCorp Variant Classification Summary - May 2015. Collection method: clinical testing. Allele origin: germline.
Comment: Variant summary: F13A1 c.1135G>C (p.Ala379Pro) results in a non-conservative amino acid change in the encoded protein sequence. Five of five in-silico tools predict a damaging effect of the variant on protein function. The variant was absent in 251480 control chromosomes (gnomAD). The available data on variant occurrences in the general population are insufficient to allow any conclusion about variant significance. c.1135G>C has been reported in the literature in at least one compound heterozygous individual affected with Factor XIIIA Deficiency (e.g. Ivaskevicius_2007). These data do not allow any strong conclusion about variant significance. Structural analysis suggests the variant may disrupt the FXIII catalytic triad, leading to a non-functional protein (e.g. Ivaskevicius_2007); however to our knowledge, this has yet to be confirmed by functional studies and no experimental evidence demonstrating an impact on protein function has been reported. No clinical diagnostic laboratories have submitted clinical-significance assessments for this variant to ClinVar after 2014. Based on the evidence outlined above, the variant was classified as uncertain significance.

Literature cited by the submitters: PubMed 17880458.